The following is an entry in ClinVar:

NM_013266.4(CTNNA3):c.1900G>A (p.Glu634Lys)

Genes: CTNNA3 (catenin alpha 3; minus strand), CTNNA3-AS1 (CTNNA3 antisense RNA 1; plus strand). Cytogenetic location: 10q21.3.
Variant type: single nucleotide variant.
Coding change: c.1900G>A on transcript NM_013266.4 (MANE Select); coding-DNA position 1900, G replaced by A.
Protein change: p.Glu634Lys; replaces glutamic acid 634 with lysine.
Molecular consequence: missense variant.
Genome position (GRCh38, 1-based): chr10:66,103,234, C>T on the plus strand (G>A on the coding strand, the complement: CTNNA3 is on the minus strand). VCF-style: chr10-66103234-C-T. GRCh37 (hg19) VCF-style: chr10-67862992-C-T.
Other names: c.1900G>A, p.Glu634Lys (NM_001127384.3); short protein forms E634K.
Identifiers: ClinVar variation 240866 (VCV000240866.19), dbSNP rs77165728, ClinGen allele CA5519759.

ClinVar aggregate classification (germline): Conflicting classifications of pathogenicity. Review status: criteria provided, conflicting classifications (1 of 4 stars). 6 submissions from 6 submitters: Uncertain significance (2); Likely benign (4). Last evaluated 2025-12-22.

Conditions:
Arrhythmogenic right ventricular dysplasia 13. Also called: ARRHYTHMOGENIC RIGHT VENTRICULAR CARDIOMYOPATHY 13; Arrhythmogenic right ventricular dysplasia, familial, 13. Identifiers: MedGen C3810138, MONDO:0000908, OMIM 615616.

Allele frequency attached by ClinVar (database versions not stated): 1000 Genomes Project 0.00040; ExAC 0.00045; 1000 Genomes Project 30x 0.00047; TOPMed 0.00049; ESP Exome Variant Server 0.00054; gnomAD exomes 0.00054 and 0.00066; gnomAD 0.00056 and 0.00058.
gnomAD v4.1: 1,050 of 1,613,894 alleles (0.065%); highest among the groups gnomAD compares: Non-Finnish European, 0.082%; no homozygotes.

Submissions (6):

Labcorp Genetics (formerly Invitae), Labcorp
Classification: Likely benign for Arrhythmogenic right ventricular dysplasia 13. Last evaluated: 2025-12-22. Review status: criteria provided, single submitter. Criteria: Invitae Variant Classification Sherloc (09022015). Collection method: clinical testing. Allele origin: germline.

Blueprint Genetics
Classification: Likely benign. Last evaluated: 2024-11-15. Review status: criteria provided, single submitter. Criteria: ACMG Guidelines, 2015. Collection method: clinical testing. Allele origin: germline.

Ambry Genetics
Classification: Uncertain significance. Last evaluated: 2024-10-19. Review status: criteria provided, single submitter. Criteria: Ambry Variant Classification Scheme 2023. Collection method: clinical testing. Allele origin: germline.
Comment: The p.E634K variant (also known as c.1900G>A), located in coding exon 13 of the CTNNA3 gene, results from a G to A substitution at nucleotide position 1900. The glutamic acid at codon 634 is replaced by lysine, an amino acid with similar properties. This amino acid position is conserved. In addition, this alteration is predicted to be tolerated by in silico analysis. Since supporting evidence is limited at this time, the clinical significance of this alteration remains unclear.

Women's Health and Genetics/Laboratory Corporation of America, LabCorp
Classification: Likely benign. Last evaluated: 2024-09-09. Review status: criteria provided, single submitter. Criteria: LabCorp Variant Classification Summary - May 2015. Collection method: clinical testing. Allele origin: germline.
Comment: Variant summary: CTNNA3 c.1900G>A (p.Glu634Lys) results in a conservative amino acid change in the encoded protein sequence. Three of five in-silico tools predict a damaging effect of the variant on protein function. The variant allele was found at a frequency of 0.00054 in 251302 control chromosomes, predominantly at a frequency of 0.00098 within the Non-Finnish European subpopulation in the gnomAD database. The observed variant frequency within Non-Finnish European control individuals in the gnomAD database is approximately 157 fold of the estimated maximal expected allele frequency for a pathogenic variant in CTNNA3 causing Arrhythmogenic Right Ventricular Dysplasia/Cardiomyopathy phenotype (6.3e-06). To our knowledge, no occurrence of c.1900G>A in individuals affected with Arrhythmogenic Right Ventricular Dysplasia/Cardiomyopathy and no experimental evidence demonstrating its impact on protein function have been reported. ClinVar contains an entry for this variant (Variation ID: 240866). Based on the evidence outlined above, the variant was classified as likely benign.

Phosphorus, Inc.
Classification: Uncertain significance for Arrhythmogenic right ventricular dysplasia 13. Last evaluated: 2017-08-01. Review status: criteria provided, single submitter. Criteria: ACMG Guidelines, 2015. Collection method: clinical testing. Allele origin: germline. Observed: 1 variant allele.

Center for Pediatric Genomic Medicine, Children's Mercy Hospital and Clinics
Classification: Likely benign. Last evaluated: 2017-03-06. Review status: criteria provided, single submitter. Criteria: ACMG Guidelines, 2015. Collection method: clinical testing. Allele origin: germline.